The following is an entry in ClinVar:

ClinVar aggregate classification (germline): Uncertain significance. Review status: criteria provided, single submitter (1 of 4 stars). 2 submissions from 2 submitters: Uncertain significance (1). 1 of the submissions does not count toward it. Last evaluated 2024-08-30.

Conditions:
TH-deficient dopa-responsive dystonia. Also called: Tyrosine Hydroxylase-Deficient Dopa-Responsive Dystonia; DYT-TH; Segawa syndrome, autosomal recessive. Identifiers: Orphanet 101150, MedGen C2673535, MONDO:0011551, OMIM 605407.

Allele frequency attached by ClinVar (database versions not stated): gnomAD 0.00001 and 0.00002; gnomAD exomes 0.00001; 1000 Genomes Project 30x 0.00016; ExAC 0.00002; TOPMed 0.00002; 1000 Genomes Project 0.00020.
gnomAD v4.1: 24 of 1,514,264 alleles (0.0016%); highest among the groups gnomAD compares: Middle Eastern, 0.035%; no homozygotes.

Submissions (2):

Labcorp Genetics (formerly Invitae), Labcorp
Classification: Uncertain significance for TH-deficient dopa-responsive dystonia. Last evaluated: 2024-08-30. Review status: criteria provided, single submitter. Criteria: Invitae Variant Classification Sherloc (09022015). Collection method: clinical testing. Allele origin: germline.
Comment: This sequence change replaces arginine, which is basic and polar, with histidine, which is basic and polar, at codon 508 of the TH protein (p.Arg508His). The frequency data for this variant in the population databases is considered unreliable, as metrics indicate poor data quality at this position in the gnomAD database. This variant has not been reported in the literature in individuals affected with TH-related conditions. ClinVar contains an entry for this variant (Variation ID: 652994). An algorithm developed to predict the effect of missense changes on protein structure and function outputs the following: PolyPhen-2: "Benign". The histidine amino acid residue is found in multiple mammalian species, which suggests that this missense change does not adversely affect protein function. In summary, the available evidence is currently insufficient to determine the role of this variant in disease. Therefore, it has been classified as a Variant of Uncertain Significance.

Natera, Inc.
Classification: Uncertain significance for Autosomal recessive Segawa syndrome. Last evaluated: 2020-03-10. Review status: no assertion criteria provided. Collection method: clinical testing. Allele origin: germline. Not counted in ClinVar's aggregate classification.

NM_000360.4(TH):c.1430G>A (p.Arg477His)

Gene: TH (tyrosine hydroxylase; minus strand). Cytogenetic location: 11p15.5.
Variant type: single nucleotide variant.
Coding change: c.1430G>A on transcript NM_000360.4 (MANE Select); coding-DNA position 1430, G replaced by A.
Protein change: p.Arg477His; replaces arginine 477 with histidine.
Molecular consequence: missense variant.
Genome position (GRCh38, 1-based): chr11:2,164,297, C>T on the plus strand (G>A on the coding strand, the complement: TH is on the minus strand). VCF-style: chr11-2164297-C-T. GRCh37 (hg19) VCF-style: chr11-2185527-C-T.
Other names: c.1523G>A, p.Arg508His (NM_199292.3); c.1511G>A, p.Arg504His (NM_199293.3); short protein forms R504H, R477H, R508H.
Identifiers: ClinVar variation 652994 (VCV000652994.5), dbSNP rs78426052, ClinGen allele CA5818240.